The following is an entry in ClinVar:

NM_001278293.3(ARL6):c.109C>G (p.Leu37Val)

Gene: ARL6 (ARF like GTPase 6; plus strand). Cytogenetic location: 3q11.2.
Variant type: single nucleotide variant.
Coding change: c.109C>G on transcript NM_001278293.3 (MANE Select); coding-DNA position 109, C replaced by G.
Protein change: p.Leu37Val; replaces leucine 37 with valine.
Molecular consequence: missense variant. On other transcripts: non-coding transcript variant (7).
Genome position (GRCh38, 1-based): chr3:97,768,216, C>G. VCF-style: chr3-97768216-C-G. GRCh37 (hg19) VCF-style: chr3-97487060-C-G.
Other names: c.109C>G, p.Leu37Val (NM_001323513.2, NM_001323514.2, NM_032146.5 and 1 more transcripts); short protein forms L37V.
Identifiers: ClinVar variation 1379545 (VCV001379545.6), dbSNP rs746549147, ClinGen allele CA353582705.

ClinVar aggregate classification (germline): Uncertain significance (1 of 4 stars; one submission).

Conditions:
Retinitis pigmentosa 55 (RP55). Identifiers: Orphanet 791, MedGen C3150808, MONDO:0013312, OMIM 613575.
Bardet-Biedl syndrome 3 (BBS3). Identifiers: Orphanet 110, MedGen C1859564, MONDO:0010832, OMIM 600151.

Submission:

Labcorp Genetics (formerly Invitae), Labcorp
Classification: Uncertain significance for Retinitis pigmentosa 55; Bardet-Biedl syndrome 3. Last evaluated: 2021-09-04. Review status: criteria provided, single submitter. Criteria: Invitae Variant Classification Sherloc (09022015). Collection method: clinical testing. Allele origin: germline.
Comment: In summary, the available evidence is currently insufficient to determine the role of this variant in disease. Therefore, it has been classified as a Variant of Uncertain Significance. This sequence change replaces leucine with valine at codon 37 of the ARL6 protein (p.Leu37Val). The leucine residue is highly conserved and there is a small physicochemical difference between leucine and valine. This variant is not present in population databases (ExAC no frequency). This variant has not been reported in the literature in individuals affected with ARL6-related conditions. Algorithms developed to predict the effect of missense changes on protein structure and function are either unavailable or do not agree on the potential impact of this missense change (SIFT: "Deleterious"; PolyPhen-2: "Possibly Damaging"; Align-GVGD: "Class C0").